The following is an entry in ClinVar:

ClinVar aggregate classification (germline): Uncertain significance. Review status: criteria provided, multiple submitters, no conflicts (2 of 4 stars). 5 submissions from 5 submitters: Uncertain significance (5). Last evaluated 2026-02-17.

Conditions:
Familial adenomatous polyposis 4 (FAP4). Also called: MSH3-related attenuated familial adenomatous polyposis. Identifiers: Orphanet 480536, MedGen C4310719, MONDO:0044300, OMIM 617100.
Hereditary cancer-predisposing syndrome. Also called: Hereditary Cancer Syndrome; Neoplastic Syndromes, Hereditary; Tumor predisposition; Hereditary neoplastic syndrome. Identifiers: Orphanet 140162, MedGen C0027672, MeSH D009386, MONDO:0015356.
Endometrial carcinoma. Also called: Endometrial carcinoma, somatic. Identifiers: MedGen C0476089, MONDO:0002447, OMIM 608089, HP:0012114.

Allele frequency attached by ClinVar (database versions not stated): TOPMed 0.00002.
gnomAD v4.1: 3 of 1,594,596 alleles (0.00019%); highest among the groups gnomAD compares: Admixed American, 0.0033%; no homozygotes.

Submissions (5):

Ambry Genetics
Classification: Uncertain significance for Hereditary cancer-predisposing syndrome. Last evaluated: 2026-02-17. Review status: criteria provided, single submitter. Criteria: Ambry Variant Classification Scheme 2023. Collection method: clinical testing. Allele origin: germline.
Comment: The c.1028-1A>T intronic variant results from an A to T substitution one nucleotide upstream from coding exon 7 of the MSH3 gene. This nucleotide position is poorly conserved in available vertebrate species. In silico splice site analysis predicts that this alteration may result in the creation or strengthening of a novel splice acceptor site. This variant is located within a U12-type intron and in silico tools are not reliable predictors of splice sites in this type of intron. Based on the available evidence, the clinical significance of this variant remains unclear.

Labcorp Genetics (formerly Invitae), Labcorp
Classification: Uncertain significance. Last evaluated: 2025-05-12. Review status: criteria provided, single submitter. Criteria: Invitae Variant Classification Sherloc (09022015). Collection method: clinical testing. Allele origin: germline.
Comment: This sequence change falls in intron 6 of the MSH3 gene. It does not directly change the encoded amino acid sequence of the MSH3 protein. It affects a nucleotide within the consensus splice site. This variant is not present in population databases (gnomAD no frequency). This variant has not been reported in the literature in individuals affected with MSH3-related conditions. ClinVar contains an entry for this variant (Variation ID: 1040708). Variants that disrupt the consensus splice site are a relatively common cause of aberrant splicing (PMID: 17576681, 9536098). Studies have shown that this variant is associated with inconclusive levels of altered splicing (internal data). In summary, the available evidence is currently insufficient to determine the role of this variant in disease. Therefore, it has been classified as a Variant of Uncertain Significance.

Mendelics
Classification: Uncertain significance for Endometrial carcinoma. Last evaluated: 2024-03-27. Review status: criteria provided, single submitter. Criteria: Mendelics Assertion Criteria 2019. Collection method: clinical testing. Allele origin: germline.

Baylor Genetics
Classification: Uncertain significance for Endometrial carcinoma. Last evaluated: 2023-11-07. Review status: criteria provided, single submitter. Criteria: ACMG Guidelines, 2015. Collection method: clinical testing. Allele origin: unknown.

Laboratorio de Genetica e Diagnostico Molecular, Hospital Israelita Albert Einstein
Classification: Uncertain significance for Familial adenomatous polyposis 4. Last evaluated: 2021-06-21. Review status: criteria provided, single submitter. Criteria: ACMG Guidelines, 2015. Collection method: clinical testing. Allele origin: germline. Affected: yes.
Comment: ACMG classification criteria: PM2 moderate

Literature cited by the submitters: PubMed 17576681 (cited by Labcorp Genetics (formerly Invitae), Labcorp); PubMed 9536098 (cited by Labcorp Genetics (formerly Invitae), Labcorp).

NM_002439.5(MSH3):c.1028-1A>T

Gene: MSH3 (mutS homolog 3; plus strand). Cytogenetic location: 5q14.1.
Variant type: single nucleotide variant.
Coding change: c.1028-1A>T on transcript NM_002439.5 (MANE Select); the canonical splice acceptor site of the intron before coding-DNA position 1028, A replaced by T.
Molecular consequence: splice acceptor variant.
Genome position (GRCh38, 1-based): chr5:80,674,982, A>T. VCF-style: chr5-80674982-A-T. GRCh37 (hg19) VCF-style: chr5-79970801-A-T.
Other names: c.1028-1A>T (NM_002439.3).
Identifiers: ClinVar variation 1040708 (VCV001040708.15), dbSNP rs1008382885, ClinGen allele CA121295111.
Genomic context (GRCh38, chr5:80,674,982, plus strand): 5'-AAATTTAGCATATTAGGATTTAGAATTTAGCATATAATTATTTTTCTTTAATTATTATTA[A>T]ATGTGAATCCCCTAATCAAGCTGGATGATGCTGTAAATGTTGATGAGATAATGACTGATA-3'